The following is an entry in ClinVar:

ClinVar aggregate classification (germline): Uncertain significance (1 of 4 stars; one submission).

Conditions:
Hereditary cancer-predisposing syndrome. Also called: Tumor predisposition; Hereditary neoplastic syndrome; Hereditary Cancer Syndrome; Neoplastic Syndromes, Hereditary. Identifiers: Orphanet 140162, MedGen C0027672, MeSH D009386, MONDO:0015356.

Submission:

Ambry Genetics
Classification: Uncertain significance for Hereditary cancer-predisposing syndrome. Last evaluated: 2023-12-16. Review status: criteria provided, single submitter. Criteria: Ambry Variant Classification Scheme 2023. Collection method: clinical testing. Allele origin: germline.
Comment: The p.S619P variant (also known as c.1855T>C), located in coding exon 10 of the ALK gene, results from a T to C substitution at nucleotide position 1855. The serine at codon 619 is replaced by proline, an amino acid with similar properties. This amino acid position is conserved. In addition, the in silico prediction for this alteration is inconclusive. Since supporting evidence is limited at this time, the clinical significance of this alteration remains unclear.

NM_004304.5(ALK):c.1855T>C (p.Ser619Pro)

Gene: ALK (ALK receptor tyrosine kinase; minus strand). Cytogenetic location: 2p23.2.
Variant type: single nucleotide variant.
Coding change: c.1855T>C on transcript NM_004304.5 (MANE Select); coding-DNA position 1855, T replaced by C.
Protein change: p.Ser619Pro; replaces serine 619 with proline.
Molecular consequence: missense variant.
Genome position (GRCh38, 1-based): chr2:29,275,459, A>G on the plus strand (T>C on the coding strand, the complement: ALK is on the minus strand). VCF-style: chr2-29275459-A-G. GRCh37 (hg19) VCF-style: chr2-29498325-A-G.
Other names: short protein forms S619P.
Identifiers: ClinVar variation 3223805 (VCV003223805.1), dbSNP rs2465332199, ClinGen allele CA346479974.